The following is an entry in ClinVar:

ClinVar aggregate classification (germline): Uncertain significance (1 of 4 stars; one submission).

Allele frequency attached by ClinVar (database versions not stated): gnomAD exomes below 0.00001; gnomAD 0.00001.
gnomAD v4.1: 3 of 1,611,734 alleles (0.00019%); highest among the groups gnomAD compares: Admixed American, 0.0017%; no homozygotes.

Submission:

Labcorp Genetics (formerly Invitae), Labcorp
Classification: Uncertain significance. Last evaluated: 2022-07-21. Review status: criteria provided, single submitter. Criteria: Invitae Variant Classification Sherloc (09022015). Collection method: clinical testing. Allele origin: germline.
Comment: This sequence change replaces leucine, which is neutral and non-polar, with proline, which is neutral and non-polar, at codon 1137 of the ARHGEF18 protein (p.Leu1137Pro). This variant is present in population databases (no rsID available, gnomAD 0.007%). This variant has not been reported in the literature in individuals affected with ARHGEF18-related conditions. Algorithms developed to predict the effect of missense changes on protein structure and function output the following: SIFT: "Tolerated"; PolyPhen-2: "Benign"; Align-GVGD: "Class C0". The proline amino acid residue is found in multiple mammalian species, which suggests that this missense change does not adversely affect protein function. In summary, the available evidence is currently insufficient to determine the role of this variant in disease. Therefore, it has been classified as a Variant of Uncertain Significance.

NM_001367823.1(ARHGEF18):c.3974T>C (p.Leu1325Pro)

Gene: ARHGEF18 (Rho/Rac guanine nucleotide exchange factor 18; plus strand). Cytogenetic location: 19p13.2.
Variant type: single nucleotide variant.
Coding change: c.3974T>C on transcript NM_001367823.1 (MANE Select); coding-DNA position 3974, T replaced by C.
Protein change: p.Leu1325Pro; replaces leucine 1325 with proline.
Molecular consequence: missense variant.
Genome position (GRCh38, 1-based): chr19:7,470,186, T>C. VCF-style: chr19-7470186-T-C. GRCh37 (hg19) VCF-style: chr19-7535072-T-C.
Other names: c.3248T>C, p.Leu1083Pro (NM_001130955.2); c.2936T>C, p.Leu979Pro (NM_001367824.1, NM_015318.4); short protein forms L979P, L1083P, L1325P.
Identifiers: ClinVar variation 2079377 (VCV002079377.1), dbSNP rs1043118035, ClinGen allele CA304858649.
Genomic context (GRCh38, chr19:7,470,186, plus strand): 5'-ACCCTGGCTTCCCCGCCCCGAGCCCACCGCCAGCTGACAGCCCCTCCGAGGGCTTCTCTC[T>C]CAAGGCCGGGGGCACAGCCCTCCTGCCCGGGCCCCCAGCTCCCTCGCCACTGCCGGCCAC-3'
Protein context (NP_001354752.1, residues 1315-1335): PADSPSEGFS[Leu1325Pro]KAGGTALLPG